The following is an entry in ClinVar:

ClinVar aggregate classification (germline): Pathogenic. Review status: criteria provided, multiple submitters, no conflicts (2 of 4 stars). 4 submissions from 4 submitters: Pathogenic (3). 1 of the submissions does not count toward it. Last evaluated 2024-06-15.

Conditions:
Autosomal recessive polycystic kidney disease (ARPKD). Also called: AR polycystic kidney disease. Identifiers: Orphanet 731, Orphanet 8378, MedGen C0085548, MeSH D017044, MONDO:0009889.
Polycystic kidney disease 4 (PKD4). Also called: POLYCYSTIC KIDNEY DISEASE 4 WITH OR WITHOUT POLYCYSTIC LIVER DISEASE; POLYCYSTIC KIDNEY AND HEPATIC DISEASE 1; POLYCYSTIC KIDNEY DISEASE, INFANTILE, TYPE I; PKD3; Autosomal Recessive Polycystic Kidney Disease – PKHD1. Identifiers: MedGen C4540575, MONDO:0033004, OMIM 263200.

Allele frequency attached by ClinVar (database versions not stated): gnomAD exomes below 0.00001.
gnomAD v4.1: 1 of 1,606,374 alleles (0.000062%); highest among the groups gnomAD compares: East Asian, 0.0022%; no homozygotes.

Submissions (4):

Fulgent Genetics
Classification: Pathogenic for Polycystic kidney disease 4. Last evaluated: 2024-06-15. Review status: criteria provided, single submitter. Criteria: ACMG Guidelines, 2015. Collection method: clinical testing. Allele origin: germline.

Baylor Genetics
Classification: Pathogenic for Polycystic kidney disease 4. Last evaluated: 2023-11-12. Review status: criteria provided, single submitter. Criteria: ACMG Guidelines, 2015. Collection method: clinical testing. Allele origin: unknown.

Labcorp Genetics (formerly Invitae), Labcorp
Classification: Pathogenic for Autosomal recessive polycystic kidney disease. Last evaluated: 2019-03-01. Review status: criteria provided, single submitter. Criteria: Invitae Variant Classification Sherloc (09022015). Collection method: clinical testing. Allele origin: germline.
Comment: This sequence change creates a premature translational stop signal (p.Trp4*) in the PKHD1 gene. It is expected to result in an absent or disrupted protein product. This variant is not present in population databases (ExAC no frequency). This variant has not been reported in the literature in individuals with PKHD1-related disease. For these reasons, this variant has been classified as Pathogenic. Loss-of-function variants in PKHD1 are known to be pathogenic (PMID: 19940839).

Counsyl
Classification: Likely pathogenic for Polycystic kidney disease 4. Last evaluated: 2018-03-16. Review status: no assertion criteria provided. Collection method: clinical testing. Allele origin: unknown. Not counted in ClinVar's aggregate classification.

Literature cited by the submitters: PubMed 19940839 (cited by Labcorp Genetics (formerly Invitae), Labcorp).

NM_138694.4(PKHD1):c.11G>A (p.Trp4Ter)

Gene: PKHD1 (PKHD1 ciliary IPT domain containing fibrocystin/polyductin; minus strand). Cytogenetic location: 6p12.2.
Variant type: single nucleotide variant.
Coding change: c.11G>A on transcript NM_138694.4 (MANE Select); coding-DNA position 11, G replaced by A.
Protein change: p.Trp4Ter; replaces tryptophan 4 with a stop codon.
Molecular consequence: nonsense.
Genome position (GRCh38, 1-based): chr6:52,084,923, C>T on the plus strand (G>A on the coding strand, the complement: PKHD1 is on the minus strand). VCF-style: chr6-52084923-C-T. GRCh37 (hg19) VCF-style: chr6-51949721-C-T.
Other names: c.11G>A, p.Trp4Ter (NM_170724.3); short protein forms W4*.
Identifiers: ClinVar variation 557333 (VCV000557333.12), dbSNP rs1554229312, ClinGen allele CA364441137.
Genomic context (GRCh38, chr6:52,084,923, plus strand): 5'-CAAAACACATTCTACTGACCTGCCAAAAGTAGTACTTCAATACTCATCAGAGAGATCAGC[C>T]AGGCAGTCATTCTGTCCACTTAAATCAATACTCTTAAGATTGCTCAGACATTAAAAGCAT-3'